The following is an entry in ClinVar:

ClinVar aggregate classification (germline): Uncertain significance. Review status: criteria provided, multiple submitters, no conflicts (2 of 4 stars). 2 submissions from 2 submitters: Uncertain significance (2). Last evaluated 2024-01-04.

Conditions:
Inborn genetic diseases. Identifiers: MedGen C0950123, MeSH D030342.

gnomAD v4.1: 1 of 1,613,800 alleles (0.000062%); highest among the groups gnomAD compares: Non-Finnish European, 0.000085%; no homozygotes.

Submissions (2):

Ambry Genetics
Classification: Uncertain significance for Inborn genetic diseases. Last evaluated: 2024-01-04. Review status: criteria provided, single submitter. Criteria: Ambry Variant Classification Scheme 2023. Collection method: clinical testing. Allele origin: germline.

Labcorp Genetics (formerly Invitae), Labcorp
Classification: Uncertain significance. Last evaluated: 2021-09-29. Review status: criteria provided, single submitter. Criteria: Invitae Variant Classification Sherloc (09022015). Collection method: clinical testing. Allele origin: germline.
Comment: In summary, the available evidence is currently insufficient to determine the role of this variant in disease. Therefore, it has been classified as a Variant of Uncertain Significance. Advanced modeling of protein sequence and biophysical properties (such as structural, functional, and spatial information, amino acid conservation, physicochemical variation, residue mobility, and thermodynamic stability) performed at Invitae indicates that this missense variant is expected to disrupt COL11A2 protein function. This variant has not been reported in the literature in individuals affected with COL11A2-related conditions. This variant is not present in population databases (ExAC no frequency). This sequence change replaces glycine with arginine at codon 1456 of the COL11A2 protein (p.Gly1456Arg). The glycine residue is highly conserved and there is a moderate physicochemical difference between glycine and arginine.

NM_080680.3(COL11A2):c.4366G>C (p.Gly1456Arg)

Gene: COL11A2 (collagen type XI alpha 2 chain; minus strand). Cytogenetic location: 6p21.32.
Variant type: single nucleotide variant.
Coding change: c.4366G>C on transcript NM_080680.3 (MANE Select); coding-DNA position 4366, G replaced by C.
Protein change: p.Gly1456Arg; replaces glycine 1456 with arginine.
Molecular consequence: missense variant.
Genome position (GRCh38, 1-based): chr6:33,166,539, C>G on the plus strand (G>C on the coding strand, the complement: COL11A2 is on the minus strand). VCF-style: chr6-33166539-C-G. GRCh37 (hg19) VCF-style: chr6-33134316-C-G.
Other names: c.4045G>C, p.Gly1349Arg (NM_080679.3); c.4108G>C, p.Gly1370Arg (NM_080681.3); c.4366G>C (NM_080680.2); short protein forms G1456R, G1349R, G1370R.
Identifiers: ClinVar variation 1383376 (VCV001383376.7), dbSNP rs2150521401, ClinGen allele CA363620128.